The following is an entry in ClinVar:

NM_000535.7(PMS2):c.251-19A>G

Gene: PMS2 (PMS1 homolog 2, mismatch repair system component; minus strand). Cytogenetic location: 7p22.1.
Variant type: single nucleotide variant.
Coding change: c.251-19A>G on transcript NM_000535.7 (MANE Select); 19 bases into the intron before coding-DNA position 251, A replaced by G.
Molecular consequence: intron variant. On other transcripts: missense variant (1).
Genome position (GRCh38, 1-based): chr7:6,003,811, T>C on the plus strand (A>G on the coding strand, the complement: PMS2 is on the minus strand). VCF-style: chr7-6003811-T-C. GRCh37 (hg19) VCF-style: chr7-6043442-T-C.
Other names: c.256A>G, p.Thr86Ala (NM_001406868.1); c.35+161A>G (NM_001322008.2, NM_001406902.1, NM_001406883.1 and 4 more transcripts); c.-132+161A>G (NM_001406881.1, NM_001406900.1); c.-102-19A>G (NM_001406895.1, NM_001406904.1, NM_001406889.1 and 6 more transcripts); c.-155-19A>G (NM_001406911.1, NM_001322010.2, NM_001322004.2 and 13 more transcripts); c.-234-19A>G (NM_001406879.1, NM_001322015.2, NM_001406878.1 and 3 more transcripts); c.-634-19A>G (NM_001322012.2, NM_001322011.2); c.-52-1175A>G (NM_001406896.1); and 5 more; short protein forms T86A.
Identifiers: ClinVar variation 3903573 (VCV003903573.1).

ClinVar aggregate classification (germline): Likely benign (1 of 4 stars; one submission).

Conditions:
Lynch syndrome 4 (LYNCH4). Also called: Colorectal cancer, hereditary nonpolyposis, type 4; Hereditary non-polyposis colorectal cancer, type 4. Identifiers: Orphanet 144, MedGen C1838333, MONDO:0013699, OMIM 614337. Disease mechanism: loss of function.

Submission:

Myriad Genetics, Inc.
Classification: Likely benign for Lynch syndrome 4. Last evaluated: 2025-01-23. Review status: criteria provided, single submitter. Criteria: Myriad Autosomal Dominant, Autosomal Recessive and X-Linked Classification Criteria (2023). Collection method: clinical testing. Allele origin: unknown.
Comment: This variant is considered likely benign. This variant is intronic and is not expected to impact mRNA splicing.